The following is an entry in ClinVar:

NM_013275.6(ANKRD11):c.5647_5651del (p.Phe1883fs)

Gene: ANKRD11 (ankyrin repeat domain 11; minus strand). Cytogenetic location: 16q24.3.
Variant type: Deletion.
Coding change: c.5647_5651del on transcript NM_013275.6 (MANE Select); coding-DNA positions 5647 to 5651, 5 bases deleted (TTCTC; older notation c.5647_5651delTTCTC).
Protein change: p.Phe1883fs; shifts the reading frame from phenylalanine 1883.
Molecular consequence: frameshift variant.
Genome position (GRCh38, 1-based): chr16:89,280,891-89,280,895, GAGAA deleted on the plus strand (TTCTC on the coding strand, the reverse complement: ANKRD11 is on the minus strand); deleting any 5 consecutive bases within chr16:89,280,891-89,280,897 gives the same sequence; the c. name uses the placement nearest the transcript's 3' end. VCF-style (leftmost placement, unchanged base first): chr16-89280890-TGAGAA-T. GRCh37 (hg19) VCF-style: chr16-89347298-TGAGAA-T.
Other names: c.5647_5651del, p.Phe1883fs (NM_001256182.2, NM_001256183.2); short protein forms F1883fs.
Identifiers: ClinVar variation 1164005 (VCV001164005.1), dbSNP rs2151742756, ClinGen allele CA2573054297.

ClinVar aggregate classification (germline): Pathogenic (0 of 4 stars; one submission).

Conditions:
KBG syndrome (KBGS). Also called: ANKRD11-Related KBG Syndrome. Identifiers: Orphanet 2332, MedGen C0220687, MONDO:0007846, OMIM 148050.

Submission:

Service de Biologie Medicale, CIUSSS du Saguenay-Lac-Saint-Jean
Classification: Pathogenic for KBG syndrome. Last evaluated: 2018-11-27. Review status: no assertion criteria provided. Collection method: clinical testing. Allele origin: paternal. Affected: yes. Observed: 2 variant alleles.

Literature cited by the submitters: DOI 10.1007/s00439-021-02332-w.